The following is an entry in ClinVar:

NM_000222.3(KIT):c.227A>G (p.Glu76Gly)

Gene: KIT (KIT proto-oncogene, receptor tyrosine kinase; plus strand). Cytogenetic location: 4q12.
Variant type: single nucleotide variant.
Coding change: c.227A>G on transcript NM_000222.3 (MANE Select); coding-DNA position 227, A replaced by G.
Protein change: p.Glu76Gly; replaces glutamic acid 76 with glycine.
Molecular consequence: missense variant.
Genome position (GRCh38, 1-based): chr4:54,695,671, A>G. VCF-style: chr4-54695671-A-G. GRCh37 (hg19) VCF-style: chr4-55561837-A-G.
Other names: c.227A>G, p.Glu76Gly (NM_001093772.2, NM_001385284.1, NM_001385285.1 and 4 more transcripts); short protein forms E76G.
Identifiers: ClinVar variation 3864528 (VCV003864528.1).

ClinVar aggregate classification (germline): Uncertain significance (1 of 4 stars; one submission).

Conditions:
Hereditary cancer-predisposing syndrome. Also called: Hereditary neoplastic syndrome; Neoplastic Syndromes, Hereditary; Tumor predisposition; Hereditary Cancer Syndrome. Identifiers: Orphanet 140162, MedGen C0027672, MeSH D009386, MONDO:0015356.

Submission:

Ambry Genetics
Classification: Uncertain significance for Hereditary cancer-predisposing syndrome. Last evaluated: 2024-12-29. Review status: criteria provided, single submitter. Criteria: Ambry Variant Classification Scheme 2023. Collection method: clinical testing. Allele origin: germline.
Comment: The p.E76G variant (also known as c.227A>G), located in coding exon 2 of the KIT gene, results from an A to G substitution at nucleotide position 227. The glutamic acid at codon 76 is replaced by glycine, an amino acid with similar properties. This amino acid position is conserved. In addition, this alteration is predicted to be tolerated by in silico analysis. Based on the available evidence, the clinical significance of this variant remains unclear.